The following is an entry in ClinVar:

ClinVar aggregate classification (germline): Likely benign (1 of 4 stars; one submission).

Allele frequency attached by ClinVar (database versions not stated): 1000 Genomes Project 30x 0.00047; 1000 Genomes Project 0.00060; ExAC 0.00181; TOPMed 0.00184; gnomAD 0.00192; gnomAD exomes 0.00197; ESP Exome Variant Server 0.00208.
gnomAD v4.1: 3,156 of 1,612,866 alleles (0.2%); highest among the groups gnomAD compares: Non-Finnish European, 0.22%; 5 homozygotes.

Submission:

CeGaT Center for Human Genetics Tuebingen
Classification: Likely benign. Last evaluated: 2026-06-01. Review status: criteria provided, single submitter. Criteria: CeGaT Center For Human Genetics Tuebingen Variant Classification Criteria Version 2. Collection method: clinical testing. Allele origin: germline. Affected: yes. Observed: 15 variant alleles.
Comment: SLC45A1: BP4, BP7

NM_001080397.3(SLC45A1):c.495A>G (p.Ala165=)

Gene: SLC45A1 (solute carrier family 45 member 1; plus strand). Cytogenetic location: 1p36.23.
Variant type: single nucleotide variant.
Coding change: c.495A>G on transcript NM_001080397.3 (MANE Select); coding-DNA position 495, A replaced by G.
Protein change: p.Ala165=; no amino-acid change (alanine 165 retained).
Molecular consequence: synonymous variant. On other transcripts: 5 prime UTR variant (2).
Genome position (GRCh38, 1-based): chr1:8,325,822, A>G. VCF-style: chr1-8325822-A-G. GRCh37 (hg19) VCF-style: chr1-8385882-A-G.
Other names: c.495A>G, p.Ala165= (NM_001379614.1); c.402A>G, p.Ala134= (NM_001379615.1, NM_001379616.1); c.-112A>G (NM_001379617.1, NM_001379618.1).
Identifiers: ClinVar variation 2570712 (VCV002570712.27), dbSNP rs140406795, ClinGen allele CA570116.